The following is an entry in ClinVar:

NM_001164508.2(NEB):c.9831+1G>A

Gene: NEB (nebulin; minus strand). Cytogenetic location: 2q23.3.
Variant type: single nucleotide variant.
Coding change: c.9831+1G>A on transcript NM_001164508.2 (MANE Select); the canonical splice donor site of the intron after coding-DNA position 9831, G replaced by A.
Molecular consequence: splice donor variant.
Genome position (GRCh38, 1-based): chr2:151,629,538, C>T on the plus strand (G>A on the coding strand, the complement: NEB is on the minus strand). VCF-style: chr2-151629538-C-T. GRCh37 (hg19) VCF-style: chr2-152486052-C-T.
Other names: c.9102+1G>A (NM_004543.5); c.9831+1G>A (NM_001164507.2, NM_001271208.2).
Identifiers: ClinVar variation 552047 (VCV000552047.9), dbSNP rs1553933986, ClinGen allele CA348797619.

ClinVar aggregate classification (germline): Likely pathogenic. Review status: criteria provided, multiple submitters, no conflicts (2 of 4 stars). 3 submissions from 3 submitters: Likely pathogenic (2). 1 of the submissions does not count toward it. Last evaluated 2025-02-25.

Conditions:
Nemaline myopathy 2 (NEM2). Also called: Nemaline myopathy 2, autosomal recessive. Identifiers: MedGen C1850569, MONDO:0009725, OMIM 256030.

Submissions (3):

Natera, Inc.
Classification: Likely pathogenic for Nemaline myopathy type 2. Last evaluated: 2025-02-25. Review status: criteria provided, single submitter. Criteria: Natera Variant Classification Schema (03/2026). Collection method: clinical testing. Allele origin: germline.
Comment: The c.9831+1G>A variant in NEB is a canonical splice donor site variant predicted to affect pre-mRNA splicing, which may result in an abnormal transcript and altered protein product. This variant may result in a truncated or dysfunctional protein product. This variant is rare in the general population with a frequency below the threshold expected for the associated phenotype(s). This variant has been observed in one or more individuals affected with the associated recessive disease, as either homozygous or compound heterozygous with a second variant (PMID: 33820833). Additionally, this variant has been observed to segregate in affected family members (PMID: 33820833). Given the available evidence, this variant is classified as Likely Pathogenic.

Labcorp Genetics (formerly Invitae), Labcorp
Classification: Likely pathogenic for Nemaline myopathy 2. Last evaluated: 2021-10-31. Review status: criteria provided, single submitter. Criteria: Invitae Variant Classification Sherloc (09022015). Collection method: clinical testing. Allele origin: germline.
Comment: In summary, the currently available evidence indicates that the variant is pathogenic, but additional data are needed to prove that conclusively. Therefore, this variant has been classified as Likely Pathogenic. This sequence change affects a donor splice site in intron 68 of the NEB gene. It is expected to disrupt RNA splicing. Variants that disrupt the donor or acceptor splice site typically lead to a loss of protein function (PMID: 16199547), and loss-of-function variants in NEB are known to be pathogenic (PMID: 25205138). This variant is not present in population databases (gnomAD no frequency). This variant has not been reported in the literature in individuals affected with NEB-related conditions. ClinVar contains an entry for this variant (Variation ID: 552047). Algorithms developed to predict the effect of sequence changes on RNA splicing suggest that this variant may disrupt the consensus splice site.

Counsyl
Classification: Likely pathogenic for Nemaline myopathy 2. Last evaluated: 2017-05-19. Review status: no assertion criteria provided. Collection method: clinical testing. Allele origin: unknown. Not counted in ClinVar's aggregate classification.

Literature cited by the submitters: PubMed 33820833 (cited by Natera, Inc.); PubMed 16199547 (cited by Labcorp Genetics (formerly Invitae), Labcorp); PubMed 25205138 (cited by Labcorp Genetics (formerly Invitae), Labcorp).